The following is an entry in ClinVar:

NM_201384.3(PLEC):c.3598C>T (p.Arg1200Cys)

Gene: PLEC (plectin; minus strand). Cytogenetic location: 8q24.3.
Variant type: single nucleotide variant.
Coding change: c.3598C>T on transcript NM_201384.3 (MANE Select); coding-DNA position 3598, C replaced by T.
Protein change: p.Arg1200Cys; replaces arginine 1200 with cysteine.
Molecular consequence: missense variant.
Genome position (GRCh38, 1-based): chr8:143,927,568, G>A on the plus strand (C>T on the coding strand, the complement: PLEC is on the minus strand). VCF-style: chr8-143927568-G-A. GRCh37 (hg19) VCF-style: chr8-145001736-G-A.
Other names: c.3679C>T (NM_000445.3); c.3679C>T, p.Arg1227Cys (NM_000445.5); c.3556C>T, p.Arg1186Cys (NM_201378.4); c.3532C>T, p.Arg1178Cys (NM_201379.3); c.4009C>T, p.Arg1337Cys (NM_201380.4); c.3502C>T, p.Arg1168Cys (NM_201381.3); c.3598C>T, p.Arg1200Cys (NM_201382.4); c.3610C>T, p.Arg1204Cys (NM_201383.3); short protein forms R1337C, R1186C, R1200C, R1204C, R1227C, R1168C, R1178C.
Identifiers: ClinVar variation 853754 (VCV000853754.8), dbSNP rs551443621, ClinGen allele CA4927011.
Genomic context (GRCh38, chr8:143,927,568, plus strand): 5'-CCAAGGGGTCTGCACTCTCGCGGTAGTAACGCAGCTGGCGGCCCAGTTGCTCGAGCTCGC[G>A]CTGCCGCACGTCGGTCTGGGCCAGCACAGCCTGCCAGCGCTCAAGCAACTGGGCGACCCG-3'
Protein context (NP_958786.1, residues 1190-1210): AVLAQTDVRQ[Arg1200Cys]ELEQLGRQLR

ClinVar aggregate classification (germline): Uncertain significance. Review status: criteria provided, multiple submitters, no conflicts (2 of 4 stars). 3 submissions from 3 submitters: Uncertain significance (3). Last evaluated 2025-09-08.

Conditions:
Autosomal recessive limb-girdle muscular dystrophy type 2Q (LGMDR17). Also called: MUSCULAR DYSTROPHY, LIMB-GIRDLE, AUTOSOMAL RECESSIVE 17. Identifiers: Orphanet 254361, MedGen C3150989, MONDO:0013390, OMIM 613723.
Epidermolysis bullosa simplex 5B, with muscular dystrophy (EBS5B). Also called: Epidermolysis bullosa simplex with muscular dystrophy; EPIDERMOLYSIS BULLOSA SIMPLEX AND LIMB-GIRDLE MUSCULAR DYSTROPHY. Identifiers: Orphanet 257, MedGen C2931072, MONDO:0009181, OMIM 226670.
Epidermolysis bullosa simplex, Ogna type (EBS5A). Also called: Pidermolysis bullosa simplex 5A, Ogna type; EPIDERMOLYSIS BULLOSA SIMPLEX 5A, OGNA TYPE. Identifiers: Orphanet 79401, MedGen C0432317, MONDO:0007555, OMIM 131950.
Epidermolysis bullosa simplex 5C, with pyloric atresia (EBS5C). Also called: PLEC1-Related Epidermolysis Bullosa with Pyloric Atresia; Epidermolysis bullosa simplex with pyloric atresia; PLEC-Related Epidermolysis Bullosa with Pyloric Atresia. Identifiers: Orphanet 158684, MedGen C2677349, MONDO:0012807, OMIM 612138.
Epidermolysis bullosa simplex with nail dystrophy (EBS5D). Identifiers: MedGen C4225309, MONDO:0014661, OMIM 616487.

Allele frequency attached by ClinVar (database versions not stated): gnomAD 0.00003 and 0.00006; gnomAD exomes 0.00005 and 0.00010; TOPMed 0.00005; ExAC 0.00010; 1000 Genomes Project 30x 0.00016; 1000 Genomes Project 0.00020.
gnomAD v4.1: 84 of 1,591,806 alleles (0.0053%); highest among the groups gnomAD compares: South Asian, 0.04%; no homozygotes.

Submissions (3):

Athena Diagnostics
Classification: Uncertain significance. Last evaluated: 2025-09-08. Review status: criteria provided, single submitter. Criteria: Athena Diagnostics Criteria. Collection method: clinical testing. Allele origin: unknown.
Comment: Available data are insufficient to determine the clinical significance of the variant at this time. The frequency of this variant in the general population is higher than would generally be expected for pathogenic variants in this gene. Polyphen and MutationTaster yielded discordant predictions regarding whether this amino acid change is damaging to the protein.

Labcorp Genetics (formerly Invitae), Labcorp
Classification: Uncertain significance for Autosomal recessive limb-girdle muscular dystrophy type 2Q; Epidermolysis bullosa simplex, Ogna type; Epidermolysis bullosa simplex with nail dystrophy; Epidermolysis bullosa simplex 5C, with pyloric atresia; Epidermolysis bullosa simplex 5B, with muscular dystrophy. Last evaluated: 2024-10-28. Review status: criteria provided, single submitter. Criteria: Invitae Variant Classification Sherloc (09022015). Collection method: clinical testing. Allele origin: germline.
Comment: This sequence change replaces arginine, which is basic and polar, with cysteine, which is neutral and slightly polar, at codon 1227 of the PLEC protein (p.Arg1227Cys). This variant is present in population databases (rs551443621, gnomAD 0.05%). This variant has not been reported in the literature in individuals affected with PLEC-related conditions. ClinVar contains an entry for this variant (Variation ID: 853754). Invitae Evidence Modeling of protein sequence and biophysical properties (such as structural, functional, and spatial information, amino acid conservation, physicochemical variation, residue mobility, and thermodynamic stability) indicates that this missense variant is not expected to disrupt PLEC protein function with a negative predictive value of 80%. In summary, the available evidence is currently insufficient to determine the role of this variant in disease. Therefore, it has been classified as a Variant of Uncertain Significance.

Revvity Omics, Revvity
Classification: Uncertain significance. Last evaluated: 2023-10-20. Review status: criteria provided, single submitter. Criteria: ACMG Guidelines, 2015. Collection method: clinical testing. Allele origin: germline.